The following is an entry in ClinVar:

ClinVar aggregate classification (germline): Uncertain significance (1 of 4 stars; one submission).

Conditions:
Developmental and epileptic encephalopathy, 11 (DEE11). Also called: Early infantile epileptic encephalopathy 11. Identifiers: Orphanet 1934, MedGen C3150987, MONDO:0013388, OMIM 613721.
Seizures, benign familial infantile, 3 (BFIS3). Also called: CONVULSIONS, BENIGN FAMILIAL INFANTILE, 3; Familial neonatal seizures. Identifiers: Orphanet 140927, Orphanet 306, MedGen C1843140, MONDO:0011904, OMIM 607745.

Submission:

Labcorp Genetics (formerly Invitae), Labcorp
Classification: Uncertain significance for Seizures, benign familial infantile, 3; Developmental and epileptic encephalopathy, 11. Last evaluated: 2025-07-06. Review status: criteria provided, single submitter. Criteria: Invitae Variant Classification Sherloc (09022015). Collection method: clinical testing. Allele origin: germline.
Comment: This sequence change replaces isoleucine, which is neutral and non-polar, with phenylalanine, which is neutral and non-polar, at codon 1633 of the SCN2A protein (p.Ile1633Phe). This variant is not present in population databases (gnomAD no frequency). This variant has not been reported in the literature in individuals affected with SCN2A-related conditions. Invitae Evidence Modeling of protein sequence and biophysical properties (such as structural, functional, and spatial information, amino acid conservation, physicochemical variation, residue mobility, and thermodynamic stability) indicates that this missense variant is expected to disrupt SCN2A protein function with a positive predictive value of 95%. In summary, the available evidence is currently insufficient to determine the role of this variant in disease. Therefore, it has been classified as a Variant of Uncertain Significance.

NM_001040142.2(SCN2A):c.4897A>T (p.Ile1633Phe)

Gene: SCN2A (sodium voltage-gated channel alpha subunit 2; plus strand). Cytogenetic location: 2q24.3.
Variant type: single nucleotide variant.
Coding change: c.4897A>T on transcript NM_001040142.2 (MANE Select); coding-DNA position 4897, A replaced by T.
Protein change: p.Ile1633Phe; replaces isoleucine 1633 with phenylalanine.
Molecular consequence: missense variant.
Genome position (GRCh38, 1-based): chr2:165,388,703, A>T. VCF-style: chr2-165388703-A-T. GRCh37 (hg19) VCF-style: chr2-166245213-A-T.
Other names: c.4897A>T, p.Ile1633Phe (NM_001040143.2, NM_001371246.1, NM_001371247.1 and 1 more transcripts); short protein forms I1633F.
Identifiers: ClinVar variation 4789354 (VCV004789354.1).